The following is an entry in ClinVar:

NM_024426.6(WT1):c.12C>T (p.Leu4=)

Genes: WT1 (WT1 transcription factor; minus strand), LOC107982234 (WT1/WT1-AS bi-directional promoter region; plus strand). Cytogenetic location: 11p13.
Variant type: single nucleotide variant.
Coding change: c.12C>T on transcript NM_024426.6 (MANE Select); coding-DNA position 12, C replaced by T.
Protein change: p.Leu4=; no amino-acid change (leucine 4 retained).
Molecular consequence: synonymous variant. On other transcripts: 5 prime UTR variant (4), non-coding transcript variant (2).
Genome position (GRCh38, 1-based): chr11:32,435,349, G>A on the plus strand (C>T on the coding strand, the complement: WT1 is on the minus strand). VCF-style: chr11-32435349-G-A. GRCh37 (hg19) VCF-style: chr11-32456895-G-A.
Other names: c.12C>T, p.Leu4= (NM_000378.6, NM_001407044.1, NM_001407045.1 and 6 more transcripts); c.-208C>T (NM_001429031.1, NM_001429032.1, NM_001429033.1 and 1 more transcripts).
Identifiers: ClinVar variation 3817460 (VCV003817460.1).

ClinVar aggregate classification (germline): Uncertain significance (1 of 4 stars; one submission).

Conditions:
Inborn genetic diseases. Identifiers: MedGen C0950123, MeSH D030342.

gnomAD v4.1: 1 of 1,530,228 alleles (0.000065%); highest among the groups gnomAD compares: African/African-American, 0.0014%; no homozygotes.

Submission:

Ambry Genetics
Classification: Uncertain significance for Inborn genetic diseases. Last evaluated: 2025-01-13. Review status: criteria provided, single submitter. Criteria: Ambry Variant Classification Scheme 2023. Collection method: clinical testing. Allele origin: germline.
Comment: The c.-4C>T variant is located in the 5' untranslated region (5&rsquo; UTR) of the WT1 gene. This variant results from a C to T substitution 4 bases upstream from the first translated codon. Although this variant falls within the 5'UTR of transcript NM_024426.4, it is a synonymous variant (c.12C>T p.L4=) in the MANE Select transcript (NM_024426.6).This nucleotide position is well conserved in available vertebrate species. Based on the available evidence, the clinical significance of this variant remains unclear.